The following is an entry in ClinVar:

NM_000038.6(APC):c.2204C>A (p.Ala735Glu)

Gene: APC (APC regulator of Wnt signaling pathway; plus strand). Cytogenetic location: 5q22.2.
Variant type: single nucleotide variant.
Coding change: c.2204C>A on transcript NM_000038.6 (MANE Select); coding-DNA position 2204, C replaced by A.
Protein change: p.Ala735Glu; replaces alanine 735 with glutamic acid.
Molecular consequence: missense variant.
Genome position (GRCh38, 1-based): chr5:112,837,798, C>A. VCF-style: chr5-112837798-C-A. GRCh37 (hg19) VCF-style: chr5-112173495-C-A.
Other names: c.1955C>A, p.Ala652Glu (NM_001407456.1, NM_001407457.1, NM_001407454.1 and 1 more transcripts); c.1901C>A, p.Ala634Glu (NM_001407458.1, NM_001407459.1, NM_001407460.1 and 1 more transcripts); c.1817C>A, p.Ala606Glu (NM_001407467.1, NM_001407469.1); c.1355C>A, p.Ala452Glu (NM_001407470.1, NM_001354906.2); c.1052C>A, p.Ala351Glu (NM_001407471.1, NM_001407472.1); c.2204C>A, p.Ala735Glu (NM_001127510.3, NM_001354895.2, NM_001407450.1); c.2150C>A, p.Ala717Glu (NM_001127511.3); c.2258C>A, p.Ala753Glu (NM_001354896.2, NM_001407447.1, NM_001407448.1 and 1 more transcripts); and 11 more; short protein forms A575E, A634E, A694E, A717E, A735E, A745E, A351E, A452E.
Identifiers: ClinVar variation 1787672 (VCV001787672.3), dbSNP rs147655929, ClinGen allele CA16026160.

ClinVar aggregate classification (germline): Uncertain significance. Review status: criteria provided, multiple submitters, no conflicts (2 of 4 stars). 2 submissions from 2 submitters: Uncertain significance (2). Last evaluated 2023-11-30.

Conditions:
Classic or attenuated familial adenomatous polyposis. Identifiers: MedGen CN372698, MONDO:0021057.
Hereditary cancer-predisposing syndrome. Also called: Neoplastic Syndromes, Hereditary; Tumor predisposition; Hereditary Cancer Syndrome; Hereditary neoplastic syndrome. Identifiers: Orphanet 140162, MedGen C0027672, MeSH D009386, MONDO:0015356.

gnomAD v4.1: 5 of 1,613,948 alleles (0.00031%); highest among the groups gnomAD compares: Non-Finnish European, 0.00034%; no homozygotes.

Submissions (2):

All of Us Research Program, National Institutes of Health
Classification: Uncertain significance for Classic or attenuated familial adenomatous polyposis. Last evaluated: 2023-11-30. Review status: criteria provided, single submitter. Criteria: ACMG Guidelines, 2015. Collection method: clinical testing. Allele origin: germline. Inheritance: Autosomal dominant inheritance. Observed: 1 variant allele, 1 heterozygote.
Comment: This study involves interpretation of variants in research participants for the purpose of population health screening. Participant phenotype was not available at the time of variant classification. Additional details can be found in publication PMID: 35346344, PMCID: PMC8962531

Ambry Genetics
Classification: Uncertain significance for Hereditary cancer-predisposing syndrome. Last evaluated: 2021-09-17. Review status: criteria provided, single submitter. Criteria: Ambry Variant Classification Scheme 2023. Collection method: clinical testing. Allele origin: germline.
Comment: The p.A735E variant (also known as c.2204C>A), located in coding exon 15 of the APC gene, results from a C to A substitution at nucleotide position 2204. The alanine at codon 735 is replaced by glutamic acid, an amino acid with dissimilar properties. This amino acid position is highly conserved in available vertebrate species. In addition, in silico predictors for this gene do not accurately predict pathogenicity. Since supporting evidence is limited at this time, the clinical significance of this alteration remains unclear.